The following is an entry in ClinVar:

ClinVar aggregate classification (germline): Likely benign. Review status: criteria provided, multiple submitters, no conflicts (2 of 4 stars). 4 submissions from 4 submitters: Likely benign (4). Last evaluated 2025-11-27.

Conditions:
Hereditary cancer-predisposing syndrome. Also called: Hereditary neoplastic syndrome; Tumor predisposition; Neoplastic Syndromes, Hereditary; Hereditary Cancer Syndrome. Identifiers: Orphanet 140162, MedGen C0027672, MeSH D009386, MONDO:0015356.
Hereditary diffuse gastric adenocarcinoma (HDGC). Also called: DIFFUSE GASTRIC AND LOBULAR BREAST CANCER SYNDROME. Identifiers: Orphanet 26106, MedGen C1708349, MONDO:0007648, OMIM 137215.

Allele frequency attached by ClinVar (database versions not stated): TOPMed below 0.00001.
gnomAD v4.1: 1 of 1,613,834 alleles (0.000062%); highest among the groups gnomAD compares: Non-Finnish European, 0.000085%; no homozygotes.

Submissions (4):

Labcorp Genetics (formerly Invitae), Labcorp
Classification: Likely benign for Hereditary diffuse gastric adenocarcinoma. Last evaluated: 2025-11-27. Review status: criteria provided, single submitter. Criteria: Invitae Variant Classification Sherloc (09022015). Collection method: clinical testing. Allele origin: germline.

Color Diagnostics, LLC DBA Color Health
Classification: Likely benign for Hereditary cancer-predisposing syndrome. Last evaluated: 2025-04-21. Review status: criteria provided, single submitter. Criteria: ACMG Guidelines, 2015. Collection method: clinical testing. Allele origin: germline.

Myriad Genetics, Inc.
Classification: Likely benign for Hereditary diffuse gastric adenocarcinoma. Last evaluated: 2024-09-23. Review status: criteria provided, single submitter. Criteria: Myriad Autosomal Dominant, Autosomal Recessive and X-Linked Classification Criteria (2023). Collection method: clinical testing. Allele origin: unknown.
Comment: This variant is considered likely benign. This variant is intronic and is not expected to impact mRNA splicing.

GeneDx
Classification: Likely benign. Last evaluated: 2015-11-18. Review status: criteria provided, single submitter. Criteria: GeneDx Variant Classification (06012015). Collection method: clinical testing. Allele origin: germline. Affected: yes.
Comment: This variant is considered likely benign or benign based on one or more of the following criteria: it is a conservative change, it occurs at a poorly conserved position in the protein, it is predicted to be benign by multiple in silico algorithms, and/or has population frequency not consistent with disease.

NM_004360.5(CDH1):c.2296-15C>T

Gene: CDH1 (cadherin 1; plus strand). Cytogenetic location: 16q22.1.
Variant type: single nucleotide variant.
Coding change: c.2296-15C>T on transcript NM_004360.5 (MANE Select); 15 bases into the intron before coding-DNA position 2296, C replaced by T.
Molecular consequence: intron variant.
Genome position (GRCh38, 1-based): chr16:68,829,639, C>T. VCF-style: chr16-68829639-C-T. GRCh37 (hg19) VCF-style: chr16-68863542-C-T.
Other names: c.748-15C>T (NM_001317185.2); c.2296-15C>T (LRG_301t1); c.331-15C>T (NM_001317186.2); c.2113-15C>T (NM_001317184.2).
Identifiers: ClinVar variation 381764 (VCV000381764.14), dbSNP rs1057521164, ClinGen allele CA16607453.
Genomic context (GRCh38, chr16:68,829,639, plus strand): 5'-AAACTGAACATAGCCCTGTGTGTATGACTATTTCTTTCCTACTCTTCATTGTACTTCAAC[C>T]TTTTTTCTCCAAAGGACTTTGACTTGAGCCAGCTGCACAGGGGCCTGGACGCTCGGCCTG-3'